The following is an entry in ClinVar:

ClinVar aggregate classification (germline): Likely pathogenic (1 of 4 stars; one submission).

Conditions:
Atrophia bulborum hereditaria (ND). Also called: EPISKOPI BLINDNESS; Norrie Disease (Classic Norrie Disease Ocular Phenotype with or without Extraocular Findings; Pseudoglioma; Norrie syndrome; Norrie-Warburg syndrome; Anderson-Warburg syndrome. Identifiers: Orphanet 649, MedGen C0266526, MONDO:0010691, OMIM 310600, HP:6000262.

Submission:

3billion
Classification: Likely pathogenic for Atrophia bulborum hereditaria. Last evaluated: 2022-09-01. Review status: criteria provided, single submitter. Criteria: ACMG Guidelines, 2015. Collection method: clinical testing. Allele origin: germline. Affected: yes. Observed: 1 hemizygote.
Comment: The variant is not observed in the gnomAD v2.1.1 dataset. Frameshift variant is predicted to result in a loss or disruption of normal protein function through protein truncation. Multiple pathogenic variants are reported in the predicted truncated region. Therefore, this variant is classified as Likely pathogenic according to the recommendation of ACMG/AMP guideline.

NM_000266.4(NDP):c.131_132del (p.Tyr44fs)

Genes: NDP (norrin cystine knot growth factor NDP; minus strand), NDP-AS1 (NDP antisense RNA 1; plus strand). Cytogenetic location: Xp11.3.
Variant type: Deletion.
Coding change: c.131_132del on transcript NM_000266.4 (MANE Select); coding-DNA positions 131 to 132, 2 bases deleted (AT; older notation c.131_132delAT).
Protein change: p.Tyr44fs; shifts the reading frame from tyrosine 44.
Molecular consequence: frameshift variant.
Genome position (GRCh38, 1-based): chrX:43,958,514-43,958,515, AT deleted on the plus strand (AT on the coding strand, the reverse complement: NDP is on the minus strand); deleting any 2 consecutive bases within chrX:43,958,514-43,958,516 gives the same sequence; the c. name uses the placement nearest the transcript's 3' end. VCF-style (leftmost placement, unchanged base first): chrX-43958513-CAT-C. GRCh37 (hg19) VCF-style: chrX-43817759-CAT-C.
Other names: short protein forms Y44fs.
Identifiers: ClinVar variation 1705321 (VCV001705321.1), dbSNP rs2519320479, ClinGen allele CA2580100943.